The following is an entry in ClinVar:

NM_001277115.2(DNAH11):c.13288G>A (p.Gly4430Arg)

Gene: DNAH11 (dynein axonemal heavy chain 11; plus strand). Cytogenetic location: 7p15.3.
Variant type: single nucleotide variant.
Coding change: c.13288G>A on transcript NM_001277115.2 (MANE Select); coding-DNA position 13288, G replaced by A.
Protein change: p.Gly4430Arg; replaces glycine 4430 with arginine.
Molecular consequence: missense variant.
Genome position (GRCh38, 1-based): chr7:21,900,105, G>A. VCF-style: chr7-21900105-G-A. GRCh37 (hg19) VCF-style: chr7-21939723-G-A.
Other names: NM_001277115.2(DNAH11):c.13288G>A; p.Gly4430Arg; short protein forms G4430R.
Identifiers: ClinVar variation 944249 (VCV000944249.12), dbSNP rs1275074212, ClinGen allele CA366956301.

ClinVar aggregate classification (germline): Conflicting classifications of pathogenicity. Review status: criteria provided, conflicting classifications (1 of 4 stars). 5 submissions from 5 submitters: Pathogenic (2); Likely pathogenic (2); Uncertain significance (1). Last evaluated 2026-02-09.

Conditions:
Primary ciliary dyskinesia. Also called: Ciliary dyskinesia. Identifiers: Orphanet 244, MedGen C0008780, MONDO:0016575, HP:0012265.
Primary ciliary dyskinesia 7. Also called: CILIARY DYSKINESIA, PRIMARY, 7, WITH OR WITHOUT SITUS INVERSUS. Identifiers: Orphanet 244, MedGen C2678473, MONDO:0012748, OMIM 611884.

Allele frequency attached by ClinVar (database versions not stated): gnomAD 0.00004; TOPMed 0.00006.
gnomAD v4.1: 28 of 1,613,382 alleles (0.0017%); highest among the groups gnomAD compares: Middle Eastern, 0.016%; no homozygotes.

Submissions (5):

Clinical Genetics and Genomics, Karolinska University Hospital
Classification: Pathogenic for Primary ciliary dyskinesia 7. Last evaluated: 2026-02-09. Review status: criteria provided, single submitter. Criteria: ACMG Guidelines, 2015. Collection method: clinical testing. Allele origin: germline. Inheritance: Autosomal recessive inheritance. Affected: yes.

Women's Health and Genetics/Laboratory Corporation of America, LabCorp
Classification: Likely pathogenic for Primary ciliary dyskinesia 7. Last evaluated: 2025-09-17. Review status: criteria provided, single submitter. Criteria: LabCorp Variant Classification Summary - May 2015. Collection method: clinical testing. Allele origin: germline.
Comment: Variant summary: DNAH11 c.13288G>A (p.Gly4430Arg) results in a non-conservative amino acid change located in the Dynein heavy chain, C-terminal domain (IPR041228) of the encoded protein sequence. Algorithms developed to predict the effect of missense changes on protein structure and function are either unavailable or do not agree on the potential impact of this missense change. The variant allele was found at a frequency of 8e-06 in 248528 control chromosomes. c.13288G>A has been reported in the literature in an individual affected with Primary Ciliary Dyskinesia 7 (Leung_2018, internal data). These data indicate that the variant may be associated with disease. To our knowledge, no experimental evidence demonstrating an impact on protein function has been reported. The following publications has been ascertained in the context of this evaluation (PMID: 30359267). ClinVar contains an entry for this variant (Variation ID: 944249). Based on the evidence outlined above, the variant was classified as likely pathogenic.

Labcorp Genetics (formerly Invitae), Labcorp
Classification: Pathogenic for Primary ciliary dyskinesia. Last evaluated: 2025-06-09. Review status: criteria provided, single submitter. Criteria: Invitae Variant Classification Sherloc (09022015). Collection method: clinical testing. Allele origin: germline.
Comment: This sequence change replaces glycine, which is neutral and non-polar, with arginine, which is basic and polar, at codon 4430 of the DNAH11 protein (p.Gly4430Arg). This variant is present in population databases (no rsID available, gnomAD 0.006%). This missense change has been observed in individual(s) with primary ciliary dyskinesia (PMID: 30359267; internal data). ClinVar contains an entry for this variant (Variation ID: 944249). Invitae Evidence Modeling of protein sequence and biophysical properties (such as structural, functional, and spatial information, amino acid conservation, physicochemical variation, residue mobility, and thermodynamic stability) indicates that this missense variant is not expected to disrupt DNAH11 protein function with a negative predictive value of 95%. For these reasons, this variant has been classified as Pathogenic.

Broad Center for Mendelian Genomics, Broad Institute of MIT and Harvard
Classification: Uncertain significance for Primary ciliary dyskinesia 7. Last evaluated: 2025-02-20. Review status: criteria provided, single submitter. Criteria: ACMG Guidelines, 2015. Collection method: curation. Allele origin: germline. Inheritance: Autosomal recessive inheritance.
Comment: The p.Gly4430Arg variant in DNAH11 has been reported, in the compound heterozygous state, in 1 individual with primary ciliary dyskinesia (PMID: 30359267), and has been identified in 0.02% (1/6082) of Middle Eastern chromosomes by the Genome Aggregation Database (gnomAD; dbSNP rs1275074212). Although this variant has been seen in the general population in a heterozygous state, its frequency is low enough to be consistent with a recessive carrier frequency. This variant has also been reported in ClinVar (Variation ID: 944249) and has been interpreted as likely pathogenic by Labcorp Genetics (formerly Invitae) and as a variant of uncertain significance by Women's Health and Genetics/Laboratory Corporation of America. Computational prediction tools and conservation analyses do not provide strong support for or against an impact to the protein. In summary, the clinical significance of the p.Gly4430Arg variant is uncertain. ACMG/AMP Criteria applied: PM3, PM2_supporting (Richards 2015).

Fulgent Genetics
Classification: Likely pathogenic for Primary ciliary dyskinesia 7. Last evaluated: 2024-05-07. Review status: criteria provided, single submitter. Criteria: ACMG Guidelines, 2015. Collection method: clinical testing. Allele origin: germline.

Literature cited by the submitters: PubMed 30359267 (cited by Women's Health and Genetics/Laboratory Corporation of America, LabCorp and Labcorp Genetics (formerly Invitae), Labcorp).